The following is an entry in ClinVar:

ClinVar aggregate classification (germline): Uncertain significance (1 of 4 stars; one submission).

Conditions:
Retinitis pigmentosa 26 (RP26). Identifiers: Orphanet 791, MedGen C1842127, MONDO:0012024, OMIM 608380.

Submission:

3billion
Classification: Uncertain significance for Retinitis pigmentosa 26. Last evaluated: 2024-06-20. Review status: criteria provided, single submitter. Criteria: ACMG Guidelines, 2015. Collection method: clinical testing. Allele origin: germline. Affected: yes.
Comment: The variant is not observed in the gnomAD v4.0.0 dataset. Predicted Consequence/Location: Missense variant In silico tools predict the variant to alter splicing and produce an abnormal transcript [SpliceAI: 0.44 (>=0.2, moderate evidence for spliceogenicity)]. Therefore, this variant is classified as VUS according to the recommendation of ACMG/AMP guideline.

NM_201548.5(CERKL):c.620A>T (p.Glu207Val)

Gene: CERKL (CERK like autophagy regulator; minus strand). Cytogenetic location: 2q31.3.
Variant type: single nucleotide variant.
Coding change: c.620A>T on transcript NM_201548.5 (MANE Select); coding-DNA position 620, A replaced by T.
Protein change: p.Glu207Val; replaces glutamic acid 207 with valine.
Molecular consequence: missense variant. On other transcripts: intron variant (2).
Genome position (GRCh38, 1-based): chr2:181,566,115, T>A on the plus strand (A>T on the coding strand, the complement: CERKL is on the minus strand). VCF-style: chr2-181566115-T-A. GRCh37 (hg19) VCF-style: chr2-182430842-T-A.
Other names: c.620A>T, p.Glu207Val (NM_001030311.3); c.488A>T, p.Glu163Val (NM_001160277.2); c.482-16407A>T (NM_001030312.3); c.613+7638A>T (NM_001030313.3); short protein forms E163V, E207V.
Identifiers: ClinVar variation 4291819 (VCV004291819.1).